The following is an entry in ClinVar:

NM_004415.4(DSP):c.2637G>C (p.Trp879Cys)

Gene: DSP (desmoplakin; plus strand). Cytogenetic location: 6p24.3.
Variant type: single nucleotide variant.
Coding change: c.2637G>C on transcript NM_004415.4 (MANE Select); coding-DNA position 2637, G replaced by C.
Protein change: p.Trp879Cys; replaces tryptophan 879 with cysteine.
Molecular consequence: missense variant.
Genome position (GRCh38, 1-based): chr6:7,576,300, G>C. VCF-style: chr6-7576300-G-C. GRCh37 (hg19) VCF-style: chr6-7576533-G-C.
Other names: c.2637G>C, p.Trp879Cys (NM_001008844.3, NM_001319034.2); short protein forms W879C.
Identifiers: ClinVar variation 3073117 (VCV003073117.1), dbSNP rs2113686447, ClinGen allele CA362681794.

ClinVar aggregate classification (germline): Uncertain significance (1 of 4 stars; one submission).

Conditions:
Arrhythmogenic cardiomyopathy with wooly hair and keratoderma. Also called: PALMOPLANTAR KERATODERMA WITH LEFT VENTRICULAR CARDIOMYOPATHY AND WOOLLY HAIR; Carvajal syndrome; Dilated cardiomyopathy with woolly hair and keratoderma; Arrhythmogenic cardiomyopathy with woolly hair and keratoderma. Identifiers: Orphanet 65282, MedGen C1854063, MONDO:0011581, OMIM 605676.

Submission:

All of Us Research Program, National Institutes of Health
Classification: Uncertain significance for Arrhythmogenic cardiomyopathy with wooly hair and keratoderma. Last evaluated: 2023-08-23. Review status: criteria provided, single submitter. Criteria: ACMG Guidelines, 2015. Collection method: clinical testing. Allele origin: germline. Inheritance: Autosomal dominant inheritance. Observed: 1 variant allele, 1 heterozygote.
Comment: This missense variant replaces tryptophan with cysteine at codon 879 of the DSP protein. Computational prediction suggests that this variant may not impact protein structure and function (internally defined REVEL score threshold <= 0.5, PMID: 27666373). To our knowledge, functional studies have not been reported for this variant. This variant has not been reported in individuals affected with DSP-related disorders in the literature. This variant has not been identified in the general population by the Genome Aggregation Database (gnomAD). The available evidence is insufficient to determine the role of this variant in disease conclusively. Therefore, this variant is classified as a Variant of Uncertain Significance.

This study involves interpretation of variants in research participants for the purpose of population health screening. Participant phenotype was not available at the time of variant classification. Additional details can be found in publication PMID: 35346344, PMCID: PMC8962531